The following is an entry in ClinVar:

NM_206965.2(FTCD):c.372C>G (p.Tyr124Ter)

Genes: FTCD-AS1 (FTCD antisense RNA 1; plus strand), FTCD (formimidoyltransferase cyclodeaminase; minus strand). Cytogenetic location: 21q22.3.
Variant type: single nucleotide variant.
Coding change: c.372C>G on transcript NM_206965.2 (MANE Select); coding-DNA position 372, C replaced by G.
Protein change: p.Tyr124Ter; replaces tyrosine 124 with a stop codon.
Molecular consequence: nonsense.
Genome position (GRCh38, 1-based): chr21:46,151,976, G>C on the plus strand (C>G on the coding strand, the complement: FTCD is on the minus strand). VCF-style: chr21-46151976-G-C. GRCh37 (hg19) VCF-style: chr21-47571890-G-C.
Other names: c.372C>G, p.Tyr124Ter (NM_001320412.2, NM_006657.3); short protein forms Y124*.
Identifiers: ClinVar variation 2800589 (VCV002800589.3), dbSNP rs777286639, ClinGen allele CA410519819.

ClinVar aggregate classification (germline): Pathogenic/Likely pathogenic. Review status: criteria provided, multiple submitters, no conflicts (2 of 4 stars). 2 submissions from 2 submitters: Pathogenic (1); Likely pathogenic (1). Last evaluated 2024-06-05.

Conditions:
Glutamate formiminotransferase deficiency. Also called: Formiminoglutamic aciduria; Arakawa syndrome 1. Identifiers: Orphanet 51208, MedGen C0268609, MONDO:0009240, OMIM 229100.

gnomAD v4.1: 1 of 1,564,498 alleles (0.000064%); highest among the groups gnomAD compares: Admixed American, 0.0019%; no homozygotes.

Submissions (2):

Fulgent Genetics
Classification: Likely pathogenic for Glutamate formiminotransferase deficiency. Last evaluated: 2024-06-05. Review status: criteria provided, single submitter. Criteria: ACMG Guidelines, 2015. Collection method: clinical testing. Allele origin: germline.

Labcorp Genetics (formerly Invitae), Labcorp
Classification: Pathogenic for Glutamate formiminotransferase deficiency. Last evaluated: 2022-12-25. Review status: criteria provided, single submitter. Criteria: Invitae Variant Classification Sherloc (09022015). Collection method: clinical testing. Allele origin: germline.
Comment: This sequence change creates a premature translational stop signal (p.Tyr124*) in the FTCD gene. It is expected to result in an absent or disrupted protein product. Loss-of-function variants in FTCD are known to be pathogenic (PMID: 29178637, 29869163). The frequency data for this variant in the population databases is considered unreliable, as metrics indicate poor data quality at this position in the gnomAD database. This variant has not been reported in the literature in individuals affected with FTCD-related conditions. Algorithms developed to predict the effect of sequence changes on RNA splicing suggest that this variant may disrupt the consensus splice site. For these reasons, this variant has been classified as Pathogenic.

Literature cited by the submitters: PubMed 29178637 (cited by Labcorp Genetics (formerly Invitae), Labcorp); PubMed 29869163 (cited by Labcorp Genetics (formerly Invitae), Labcorp).